The following is an entry in ClinVar:

ClinVar aggregate classification (germline): Uncertain significance (1 of 4 stars; one submission).

Conditions:
Cardiovascular phenotype. Identifiers: MedGen CN230736.

gnomAD v4.1: 2 of 1,613,858 alleles (0.00012%); highest among the groups gnomAD compares: African/African-American, 0.0013%; no homozygotes.

Submission:

Ambry Genetics
Classification: Uncertain significance for Cardiovascular phenotype. Last evaluated: 2025-03-31. Review status: criteria provided, single submitter. Criteria: Ambry Variant Classification Scheme 2023. Collection method: clinical testing. Allele origin: germline.
Comment: The p.A636S variant (also known as c.1906G>T), located in coding exon 12 of the EPHB4 gene, results from a G to T substitution at nucleotide position 1906. The alanine at codon 636 is replaced by serine, an amino acid with similar properties. This amino acid position is conserved. In addition, this alteration is predicted to be tolerated by in silico analysis. Based on the available evidence, the clinical significance of this variant remains unclear.

NM_004444.5(EPHB4):c.1906G>T (p.Ala636Ser)

Gene: EPHB4 (EPH receptor B4; minus strand). Cytogenetic location: 7q22.1.
Variant type: single nucleotide variant.
Coding change: c.1906G>T on transcript NM_004444.5 (MANE Select); coding-DNA position 1906, G replaced by T.
Protein change: p.Ala636Ser; replaces alanine 636 with serine.
Molecular consequence: missense variant.
Genome position (GRCh38, 1-based): chr7:100,812,959, C>A on the plus strand (G>T on the coding strand, the complement: EPHB4 is on the minus strand). VCF-style: chr7-100812959-C-A. GRCh37 (hg19) VCF-style: chr7-100410581-C-A.
Other names: short protein forms A636S.
Identifiers: ClinVar variation 4018801 (VCV004018801.1).